The following is an entry in ClinVar:

NM_001159773.2(CANT1):c.503C>G (p.Ser168Cys)

Gene: CANT1 (calcium activated nucleotidase 1; minus strand). Cytogenetic location: 17q25.3.
Variant type: single nucleotide variant.
Coding change: c.503C>G on transcript NM_001159773.2 (MANE Select); coding-DNA position 503, C replaced by G.
Protein change: p.Ser168Cys; replaces serine 168 with cysteine.
Molecular consequence: missense variant.
Genome position (GRCh38, 1-based): chr17:78,997,120, G>C on the plus strand (C>G on the coding strand, the complement: CANT1 is on the minus strand). VCF-style: chr17-78997120-G-C. GRCh37 (hg19) VCF-style: chr17-76993202-G-C.
Other names: c.503C>G, p.Ser168Cys (NM_001159772.2, NM_138793.4); short protein forms S168C.
Identifiers: ClinVar variation 2005610 (VCV002005610.4), dbSNP rs1286203128, ClinGen allele CA401308172.

ClinVar aggregate classification (germline): Uncertain significance (1 of 4 stars; one submission).

Allele frequency attached by ClinVar (database versions not stated): TOPMed 0.00001.
gnomAD v4.1: 10 of 1,614,176 alleles (0.00062%); highest among the groups gnomAD compares: Non-Finnish European, 0.00085%; no homozygotes.

Submission:

Labcorp Genetics (formerly Invitae), Labcorp
Classification: Uncertain significance. Last evaluated: 2023-05-08. Review status: criteria provided, single submitter. Criteria: Invitae Variant Classification Sherloc (09022015). Collection method: clinical testing. Allele origin: germline.
Comment: In summary, the available evidence is currently insufficient to determine the role of this variant in disease. Therefore, it has been classified as a Variant of Uncertain Significance. Advanced modeling of protein sequence and biophysical properties (such as structural, functional, and spatial information, amino acid conservation, physicochemical variation, residue mobility, and thermodynamic stability) performed at Invitae indicates that this missense variant is expected to disrupt CANT1 protein function. ClinVar contains an entry for this variant (Variation ID: 2005610). This variant has not been reported in the literature in individuals affected with CANT1-related conditions. This variant is not present in population databases (gnomAD no frequency). This sequence change replaces serine, which is neutral and polar, with cysteine, which is neutral and slightly polar, at codon 168 of the CANT1 protein (p.Ser168Cys).